The following is an entry in ClinVar:

ClinVar aggregate classification (germline): Likely benign (1 of 4 stars; one submission).

Conditions:
NAF1-related disorder. Also called: NAF1-related condition.

Submission:

PreventionGenetics, part of Exact Sciences
Classification: Likely benign for NAF1-related condition. Last evaluated: 2025-01-03. Review status: criteria provided, single submitter. Criteria: ACMG Guidelines, 2015. Collection method: clinical testing. Allele origin: germline.
Comment: This variant is classified as likely benign based on ACMG/AMP sequence variant interpretation guidelines (Richards et al. 2015 PMID: 25741868, with internal and published modifications).

NM_138386.3(NAF1):c.1425A>C (p.Pro475=)

Gene: NAF1 (nuclear assembly factor 1 ribonucleoprotein; minus strand). Cytogenetic location: 4q32.2.
Variant type: single nucleotide variant.
Coding change: c.1425A>C on transcript NM_138386.3 (MANE Select); coding-DNA position 1425, A replaced by C.
Protein change: p.Pro475=; no amino-acid change (proline 475 retained).
Molecular consequence: synonymous variant. On other transcripts: intron variant (1).
Genome position (GRCh38, 1-based): chr4:163,128,957, T>G on the plus strand (A>C on the coding strand, the complement: NAF1 is on the minus strand). VCF-style: chr4-163128957-T-G. GRCh37 (hg19) VCF-style: chr4-164050109-T-G.
Other names: c.1034-1842A>C (NM_001128931.2).
Identifiers: ClinVar variation 4983726 (VCV004983726.1).
Genomic context (GRCh38, chr4:163,128,957, plus strand): 5'-CTAATAGTAAGGTCCAAAATGAGAATTACTATCTCCAGAAGAGGGTGGAGGAGGCAGTGG[T>G]GGAGGGGGAGGGGGTGGGGGTAGGGAGTATGGTAAGTTAAGTAATGGATGAGCAGCCATG-3'
Protein context (NP_612395.2, residues 465-485): PYSLPPPPPP[Pro475=]PLPPPPSSGD